The following is an entry in ClinVar:

ClinVar aggregate classification (germline): Uncertain significance (1 of 4 stars; one submission).

Conditions:
TTN-related disorder. Also called: TTN-related disorders; TTN-related condition; TTN-related disease.

gnomAD v4.1: 3 of 1,612,136 alleles (0.00019%); highest among the groups gnomAD compares: Non-Finnish European, 0.00017%; no homozygotes.

Submission:

PreventionGenetics, part of Exact Sciences
Classification: Uncertain significance for TTN-related condition. Last evaluated: 2026-06-18. Review status: criteria provided, single submitter. Criteria: ACMG Guidelines, 2015. Collection method: clinical testing. Allele origin: germline.
Comment: The TTN c.38776G>A variant is predicted to result in the amino acid substitution p.Val12926Ile. To our knowledge, this variant has not been reported in the literature. This variant is reported in 0.010% of alleles in individuals of Ashkenazi Jewish descent in gnomAD. At this time, the clinical significance of this variant is uncertain due to the absence of conclusive functional and genetic evidence.

NM_001267550.2(TTN):c.38776G>A (p.Val12926Ile)

Gene: TTN (titin; minus strand). Cytogenetic location: 2q31.2.
Variant type: single nucleotide variant.
Coding change: c.38776G>A on transcript NM_001267550.2 (MANE Select); coding-DNA position 38776, G replaced by A.
Protein change: p.Val12926Ile; replaces valine 12926 with isoleucine.
Molecular consequence: missense variant. On other transcripts: intron variant (5).
Genome position (GRCh38, 1-based): chr2:178,653,253, C>T on the plus strand (G>A on the coding strand, the complement: TTN is on the minus strand). VCF-style: chr2-178653253-C-T. GRCh37 (hg19) VCF-style: chr2-179517980-C-T.
Other names: c.13283-10936G>A (NM_003319.4); c.13859-10936G>A (NM_133437.4); c.13658-10936G>A (NM_133432.3); c.31742-712G>A (NM_133378.4); c.34523-712G>A (NM_001256850.1); short protein forms V12926I.
Identifiers: ClinVar variation 4991776 (VCV004991776.1).